The following is an entry in ClinVar:

ClinVar aggregate classification (germline): Likely pathogenic (1 of 4 stars; one submission).

Submissions (2):

Dasa
Classification: Likely pathogenic. Last evaluated: 2024-10-29. Review status: criteria provided, single submitter. Criteria: DASA Assertion Criteria. Collection method: clinical testing. Allele origin: germline.
Comment: NM_000138.5(FBN1):c.4016G>T (p.Cys1339Phe) is a missense variant that results in the substitution of cysteine with phenylalanine. The affected residue or protein region has prior evidence supporting clinical relevance. This variant is absent from population databases. Computational evidence supports a deleterious effect. Based on the currently available evidence, this variant is classified as likely pathogenic.

Dr. Peter K. Rogan Lab, Western University
No classification provided (evidence only). Condition: Thyroid cancer, nonmedullary, 1. Review status: no classification provided. Collection method: in vitro. Allele origin: not applicable. Functional consequence: retained intron. Not counted in ClinVar's aggregate classification.

NM_000138.5(FBN1):c.4016G>T (p.Cys1339Phe)

Gene: FBN1 (fibrillin 1; minus strand). Cytogenetic location: 15q21.1.
Variant type: single nucleotide variant.
Coding change: c.4016G>T on transcript NM_000138.5 (MANE Select); coding-DNA position 4016, G replaced by T.
Protein change: p.Cys1339Phe; replaces cysteine 1339 with phenylalanine.
Molecular consequence: missense variant.
Genome position (GRCh38, 1-based): chr15:48,474,599, C>A on the plus strand (G>T on the coding strand, the complement: FBN1 is on the minus strand). VCF-style: chr15-48474599-C-A. GRCh37 (hg19) VCF-style: chr15-48766796-C-A.
Other names: NC_000015.9:g.48766796C>A; c.4016G>T, p.Cys1339Phe (NM_001406716.1); short protein forms C1339F.
Identifiers: ClinVar variation 4403235 (VCV004403235.3).